The following is an entry in ClinVar:

ClinVar aggregate classification (germline): Uncertain significance (1 of 4 stars; one submission).

Submission:

Labcorp Genetics (formerly Invitae), Labcorp
Classification: Uncertain significance. Last evaluated: 2024-07-19. Review status: criteria provided, single submitter. Criteria: Invitae Variant Classification Sherloc (09022015). Collection method: clinical testing. Allele origin: germline.
Comment: This sequence change replaces serine, which is neutral and polar, with alanine, which is neutral and non-polar, at codon 277 of the CSF1R protein (p.Ser277Ala). This variant is not present in population databases (gnomAD no frequency). This variant has not been reported in the literature in individuals affected with CSF1R-related conditions. Advanced modeling of protein sequence and biophysical properties (such as structural, functional, and spatial information, amino acid conservation, physicochemical variation, residue mobility, and thermodynamic stability) performed at Invitae indicates that this missense variant is not expected to disrupt CSF1R protein function with a negative predictive value of 95%. In summary, the available evidence is currently insufficient to determine the role of this variant in disease. Therefore, it has been classified as a Variant of Uncertain Significance.

NM_001288705.3(CSF1R):c.829T>G (p.Ser277Ala)

Gene: CSF1R (colony stimulating factor 1 receptor; minus strand). Cytogenetic location: 5q32.
Variant type: single nucleotide variant.
Coding change: c.829T>G on transcript NM_001288705.3 (MANE Select); coding-DNA position 829, T replaced by G.
Protein change: p.Ser277Ala; replaces serine 277 with alanine.
Molecular consequence: missense variant. On other transcripts: non-coding transcript variant (2).
Genome position (GRCh38, 1-based): chr5:150,077,336, A>C on the plus strand (T>G on the coding strand, the complement: CSF1R is on the minus strand). VCF-style: chr5-150077336-A-C. GRCh37 (hg19) VCF-style: chr5-149456899-A-C.
Other names: c.829T>G, p.Ser277Ala (NM_001349736.2, NM_001375320.1, NM_005211.4); c.385T>G, p.Ser129Ala (NM_001375321.1); short protein forms S129A, S277A.
Identifiers: ClinVar variation 3635554 (VCV003635554.2).